The following is an entry in ClinVar:

ClinVar aggregate classification (germline): Likely pathogenic (1 of 4 stars; one submission).

Conditions:
Schimke immuno-osseous dysplasia (SIOD). Also called: Schimke Immunoosseous Dysplasia. Identifiers: Orphanet 1830, MedGen C0877024, MONDO:0009458, OMIM 242900.

Submission:

Labcorp Genetics (formerly Invitae), Labcorp
Classification: Likely pathogenic for Schimke immuno-osseous dysplasia. Last evaluated: 2021-12-07. Review status: criteria provided, single submitter. Criteria: Invitae Variant Classification Sherloc (09022015). Collection method: clinical testing. Allele origin: germline.
Comment: In summary, the currently available evidence indicates that the variant is pathogenic, but additional data are needed to prove that conclusively. Therefore, this variant has been classified as Likely Pathogenic. Algorithms developed to predict the effect of sequence changes on RNA splicing suggest that this variant may disrupt the consensus splice site. ClinVar contains an entry for this variant (Variation ID: 1066618). This variant has not been reported in the literature in individuals affected with SMARCAL1-related conditions. This variant is not present in population databases (gnomAD no frequency). This sequence change affects an acceptor splice site in intron 9 of the SMARCAL1 gene. It is expected to disrupt RNA splicing. Variants that disrupt the donor or acceptor splice site typically lead to a loss of protein function (PMID: 16199547), and loss-of-function variants in SMARCAL1 are known to be pathogenic (PMID: 11799392, 20301550).

Literature cited by the submitters: PubMed 16199547; PubMed 11799392; PubMed 20301550.

NM_014140.4(SMARCAL1):c.1645-2A>G

Gene: SMARCAL1 (SNF2 related chromatin remodeling annealing helicase 1; plus strand). Cytogenetic location: 2q35.
Variant type: single nucleotide variant.
Coding change: c.1645-2A>G on transcript NM_014140.4 (MANE Select); the canonical splice acceptor site of the intron before coding-DNA position 1645, A replaced by G.
Molecular consequence: splice acceptor variant.
Genome position (GRCh38, 1-based): chr2:216,438,418, A>G. VCF-style: chr2-216438418-A-G. GRCh37 (hg19) VCF-style: chr2-217303141-A-G.
Other names: c.1645-2A>G (NM_001127207.2).
Identifiers: ClinVar variation 1066618 (VCV001066618.7), dbSNP rs2106040403, ClinGen allele CA350501132.